The following is an entry in ClinVar:

NM_007294.4(BRCA1):c.828_829insT (p.Asn277Ter)

Gene: BRCA1 (BRCA1 DNA repair associated; minus strand). Cytogenetic location: 17q21.31.
Variant type: Insertion.
Coding change: c.828_829insT on transcript NM_007294.4 (MANE Select); coding-DNA positions 828 to 829, T inserted.
Protein change: p.Asn277Ter; replaces asparagine 277 with a stop codon.
Molecular consequence: nonsense. On other transcripts: 5 prime UTR variant (2), intron variant (137).
Genome position: GRCh38 VCF-style: chr17-43094702-T-TA. GRCh37 (hg19) VCF-style: chr17-41246719-T-TA.
Other names: c.825_826insT, p.Asn276Ter (NM_001407644.1, NM_001407645.1, NM_001407860.1 and 22 more transcripts); c.819_820insT, p.Asn274Ter (NM_001407646.1, NM_001407647.1); c.705_706insT, p.Asn236Ter (NM_001407648.1, NM_001407664.1, NM_001407665.1 and 19 more transcripts); c.702_703insT, p.Asn235Ter (NM_001407649.1, NM_001407670.1, NM_001407671.1 and 11 more transcripts); c.828_829insT, p.Asn277Ter (NM_001407652.1, NM_001407684.1, NM_001407854.1 and 30 more transcripts); c.750_751insT, p.Asn251Ter (NM_001407653.1, NM_001407654.1, NM_001407655.1 and 4 more transcripts); c.747_748insT, p.Asn250Ter (NM_001407659.1, NM_001407660.1, NM_001407661.1 and 1 more transcripts); c.687_688insT, p.Asn230Ter (NM_001407692.1, NM_001407694.1, NM_001407695.1 and 29 more transcripts); and 40 more; short protein forms N277*, N230*, N166*, N207*, N235*, N251*, N149*, N206*.
Identifiers: ClinVar variation 548164 (VCV000548164.2), dbSNP rs1555593017, ClinGen allele CA658824553.
Genomic context (GRCh38, chr17:43,094,702, plus strand): 5'-TTCTGTCTTTAGTGAGTAATAAACTGCTGTTCTCATGCTGTAATGAGCTGGCATGAGTAT[T>TA]TGTGCCACATGGCTCCACATGCAAGTTTGAAACAGAACTACCCTGATACTTTTCTGGATG-3'

ClinVar aggregate classification (germline): Pathogenic (3 of 4 stars; one submission).

Conditions:
Breast-ovarian cancer, familial, susceptibility to, 1 (BROVCA1). Also called: BRCA1 Hereditary Breast and Ovarian Cancer; OVARIAN CANCER, SUSCEPTIBILITY TO. Identifiers: Orphanet 145, MedGen C2676676, MONDO:0011450, OMIM 604370. Disease mechanism: loss of function.

Submission:

Evidence-based Network for the Interpretation of Germline Mutant Alleles (ENIGMA)
Classification: Pathogenic for Breast-ovarian cancer, familial, susceptibility to, 1. Last evaluated: 2017-12-15. Review status: reviewed by expert panel. Criteria: ENIGMA BRCA1/2 Classification Criteria (2017-06-29). Collection method: curation. Allele origin: germline. Study: ENIGMA.
Comment: Variant allele predicted to encode a truncated non-functional protein.